The following is an entry in ClinVar:

ClinVar aggregate classification (germline): Uncertain significance (1 of 4 stars; one submission).

Submission:

CeGaT Center for Human Genetics Tuebingen
Classification: Uncertain significance. Last evaluated: 2024-02-01. Review status: criteria provided, single submitter. Criteria: CeGaT Center For Human Genetics Tuebingen Variant Classification Criteria Version 2. Collection method: clinical testing. Allele origin: germline. Affected: yes. Observed: 1 variant allele.
Comment: KAT6A: PM2, BP4

NM_006766.5(KAT6A):c.3638C>T (p.Pro1213Leu)

Gene: KAT6A (lysine acetyltransferase 6A; minus strand). Cytogenetic location: 8p11.21.
Variant type: single nucleotide variant.
Coding change: c.3638C>T on transcript NM_006766.5 (MANE Select); coding-DNA position 3638, C replaced by T.
Protein change: p.Pro1213Leu; replaces proline 1213 with leucine.
Molecular consequence: missense variant.
Genome position (GRCh38, 1-based): chr8:41,934,582, G>A on the plus strand (C>T on the coding strand, the complement: KAT6A is on the minus strand). VCF-style: chr8-41934582-G-A. GRCh37 (hg19) VCF-style: chr8-41792100-G-A.
Other names: short protein forms P1213L.
Identifiers: ClinVar variation 3026474 (VCV003026474.22), dbSNP rs765040461, ClinGen allele CA371068716.